The following is an entry in ClinVar:

ClinVar aggregate classification (germline): Pathogenic (1 of 4 stars; one submission).

Conditions:
DICER1-related tumor predisposition. Also called: DICER1-related pleuropulmonary blastoma cancer predisposition syndrome; DICER1 syndrome. Identifiers: Orphanet 284343, MedGen C3839822, MONDO:0100216.

Submission:

Labcorp Genetics (formerly Invitae), Labcorp
Classification: Pathogenic for DICER1-related tumor predisposition. Last evaluated: 2023-04-11. Review status: criteria provided, single submitter. Criteria: Invitae Variant Classification Sherloc (09022015). Collection method: clinical testing. Allele origin: germline.
Comment: This sequence change creates a premature translational stop signal (p.Val309Ilefs*11) in the DICER1 gene. It is expected to result in an absent or disrupted protein product. Loss-of-function variants in DICER1 are known to be pathogenic (PMID: 19556464, 21266384). This variant is not present in population databases (gnomAD no frequency). For these reasons, this variant has been classified as Pathogenic. This variant has not been reported in the literature in individuals affected with DICER1-related conditions.

Literature cited by the submitters: PubMed 19556464; PubMed 21266384.

NM_177438.3(DICER1):c.925_926del (p.Val309fs)

Gene: DICER1 (dicer 1, ribonuclease III; minus strand). Cytogenetic location: 14q32.13.
Variant type: Deletion.
Coding change: c.925_926del on transcript NM_177438.3 (MANE Select); coding-DNA positions 925 to 926, 2 bases deleted (GT; older notation c.925_926delGT).
Protein change: p.Val309fs; shifts the reading frame from valine 309.
Molecular consequence: frameshift variant. On other transcripts: 5 prime UTR variant (1), non-coding transcript variant (6).
Genome position (GRCh38, 1-based): chr14:95,124,646-95,124,647, AC deleted on the plus strand (GT on the coding strand, the reverse complement: DICER1 is on the minus strand). VCF-style (leftmost placement, unchanged base first): chr14-95124645-TAC-T. GRCh37 (hg19) VCF-style: chr14-95590982-TAC-T.
Other names: c.925_926del, p.Val309fs (NM_001195573.1, NM_001271282.3, NM_001291628.2 and 14 more transcripts); c.925_926delGT, p.Val309Ilefs (NM_001395681.1); c.643_644del, p.Val215fs (NM_001395686.1); c.520_521del, p.Val174fs (NM_001395687.1, NM_001395688.1, NM_001395689.1 and 3 more transcripts); c.358_359del, p.Val120fs (NM_001395691.1); c.-644_-643del (NM_001395697.1); short protein forms V120fs, V309fs, V215fs, V174fs.
Identifiers: ClinVar variation 2839248 (VCV002839248.3), dbSNP rs2543187534, ClinGen allele CA2739270817.
Genomic context (GRCh38, chr14:95,124,645, plus strand): 5'-TAGTTCTCTTACCATCATTCCAGCTACTTTATCTGCACACCAGGGTCCCAGAACTACCAA[TAC>T]GGCACGACAGTCTGATAGTATCTACAAAAAAAAGAAAAGAAAAAACCTAATGCCAAATAA-3'